The following is an entry in ClinVar:

ClinVar aggregate classification (germline): Benign/Likely benign. Review status: criteria provided, multiple submitters, no conflicts (2 of 4 stars). 6 submissions from 6 submitters: Benign (3); Likely benign (1). 2 of the submissions do not count toward it. Last evaluated 2026-02-03.

Allele frequency attached by ClinVar (database versions not stated): 1000 Genomes Project 30x 0.00156; 1000 Genomes Project 0.00180; gnomAD exomes 0.00293 and 0.00353; ExAC 0.00304; gnomAD 0.00484 and 0.00523; TOPMed 0.00517; ESP Exome Variant Server 0.00546.
gnomAD v4.1: 5,832 of 1,613,554 alleles (0.36%); highest among the groups gnomAD compares: African/African-American, 1.1%; 15 homozygotes.

Submissions (6):

Labcorp Genetics (formerly Invitae), Labcorp
Classification: Benign. Last evaluated: 2026-02-03. Review status: criteria provided, single submitter. Criteria: Invitae Variant Classification Sherloc (09022015). Collection method: clinical testing. Allele origin: germline.

CeGaT Center for Human Genetics Tuebingen
Classification: Benign. Last evaluated: 2025-09-01. Review status: criteria provided, single submitter. Criteria: CeGaT Center For Human Genetics Tuebingen Variant Classification Criteria Version 2. Collection method: clinical testing. Allele origin: germline. Affected: yes. Observed: 6 variant alleles.
Comment: ABL1: BP4, BP7, BS1, BS2

Blueprint Genetics
Classification: Likely benign. Last evaluated: 2024-11-14. Review status: criteria provided, single submitter. Criteria: ACMG Guidelines, 2015. Collection method: clinical testing. Allele origin: germline.

Breakthrough Genomics
Classification: Benign. Review status: criteria provided, single submitter. Criteria: ACMG Guidelines, 2015. Collection method: not provided. Allele origin: germline. Inheritance: Autosomal dominant inheritance. Affected: yes.

Clinical Genetics DNA and cytogenetics Diagnostics Lab, Erasmus MC, Erasmus Medical Center
Classification: Benign. Review status: no assertion criteria provided. Collection method: clinical testing. Allele origin: germline. Affected: yes. Study: VKGL Data-share Consensus. Not counted in ClinVar's aggregate classification.

Genome Diagnostics Laboratory, Amsterdam University Medical Center
Classification: Benign. Review status: no assertion criteria provided. Collection method: clinical testing. Allele origin: germline. Affected: yes. Study: VKGL Data-share Consensus. Not counted in ClinVar's aggregate classification.

NM_005157.6(ABL1):c.2916G>A (p.Ser972=)

Gene: ABL1 (ABL proto-oncogene 1, non-receptor tyrosine kinase; plus strand). Cytogenetic location: 9q34.12.
Variant type: single nucleotide variant.
Coding change: c.2916G>A on transcript NM_005157.6 (MANE Select); coding-DNA position 2916, G replaced by A.
Protein change: p.Ser972=; no amino-acid change (serine 972 retained).
Molecular consequence: synonymous variant.
Genome position (GRCh38, 1-based): chr9:130,885,206, G>A. VCF-style: chr9-130885206-G-A. GRCh37 (hg19) VCF-style: chr9-133760593-G-A.
Other names: c.2973G>A, p.Ser991= (NM_007313.3).
Identifiers: ClinVar variation 781935 (VCV000781935.37), dbSNP rs143132804, ClinGen allele CA5285812.